The following is an entry in ClinVar:

NM_004380.3(CREBBP):c.6304A>G (p.Lys2102Glu)

Gene: CREBBP (CREB binding protein; minus strand). Cytogenetic location: 16p13.3.
Variant type: single nucleotide variant.
Coding change: c.6304A>G on transcript NM_004380.3 (MANE Select); coding-DNA position 6304, A replaced by G.
Protein change: p.Lys2102Glu; replaces lysine 2102 with glutamic acid.
Molecular consequence: missense variant.
Genome position (GRCh38, 1-based): chr16:3,728,743, T>C on the plus strand (A>G on the coding strand, the complement: CREBBP is on the minus strand). VCF-style: chr16-3728743-T-C. GRCh37 (hg19) VCF-style: chr16-3778744-T-C.
Other names: c.6190A>G, p.Lys2064Glu (NM_001079846.1); short protein forms K2064E, K2102E.
Identifiers: ClinVar variation 2136291 (VCV002136291.1), dbSNP rs772511281, ClinGen allele CA7869146.

ClinVar aggregate classification (germline): Uncertain significance (1 of 4 stars; one submission).

Allele frequency attached by ClinVar (database versions not stated): ExAC 0.00001.

Submission:

GeneDx
Classification: Uncertain significance. Last evaluated: 2022-07-07. Review status: criteria provided, single submitter. Criteria: GeneDx Variant Classification Process June 2021. Collection method: clinical testing. Allele origin: germline. Affected: yes.
Comment: In silico analysis supports that this missense variant has a deleterious effect on protein structure/function; Has not been previously published as pathogenic or benign to our knowledge